The following is an entry in ClinVar:

NM_021072.4(HCN1):c.2522T>G (p.Leu841Arg)

Gene: HCN1 (hyperpolarization activated cyclic nucleotide gated potassium channel 1; minus strand). Cytogenetic location: 5p12.
Variant type: single nucleotide variant.
Coding change: c.2522T>G on transcript NM_021072.4 (MANE Select); coding-DNA position 2522, T replaced by G.
Protein change: p.Leu841Arg; replaces leucine 841 with arginine.
Molecular consequence: missense variant.
Genome position (GRCh38, 1-based): chr5:45,262,072, A>C on the plus strand (T>G on the coding strand, the complement: HCN1 is on the minus strand). VCF-style: chr5-45262072-A-C. GRCh37 (hg19) VCF-style: chr5-45262174-A-C.
Other names: short protein forms L841R.
Identifiers: ClinVar variation 4874597 (VCV004874597.2).

ClinVar aggregate classification (germline): Uncertain significance (1 of 4 stars; one submission).

Submission:

CeGaT Center for Human Genetics Tuebingen
Classification: Uncertain significance. Last evaluated: 2026-04-01. Review status: criteria provided, single submitter. Criteria: CeGaT Center For Human Genetics Tuebingen Variant Classification Criteria Version 2. Collection method: clinical testing. Allele origin: germline. Affected: yes. Observed: 1 variant allele.
Comment: HCN1: PM2, PP3